The following is an entry in ClinVar:

NM_001408.3(CELSR2):c.7360T>G (p.Phe2454Val)

Gene: CELSR2 (cadherin EGF LAG seven-pass G-type receptor 2; plus strand). Cytogenetic location: 1p13.3.
Variant type: single nucleotide variant.
Coding change: c.7360T>G on transcript NM_001408.3 (MANE Select); coding-DNA position 7360, T replaced by G.
Protein change: p.Phe2454Val; replaces phenylalanine 2454 with valine.
Molecular consequence: missense variant.
Genome position (GRCh38, 1-based): chr1:109,270,477, T>G. VCF-style: chr1-109270477-T-G. GRCh37 (hg19) VCF-style: chr1-109813099-T-G.
Other names: short protein forms F2454V.
Identifiers: ClinVar variation 1911919 (VCV001911919.5), dbSNP rs574709737, ClinGen allele CA988214.

ClinVar aggregate classification (germline): Uncertain significance (1 of 4 stars; one submission).

Allele frequency attached by ClinVar (database versions not stated): gnomAD exomes 0.00003; ExAC 0.00008.
gnomAD v4.1: 47 of 1,614,128 alleles (0.0029%); highest among the groups gnomAD compares: South Asian, 0.048%; no homozygotes.

Submission:

Labcorp Genetics (formerly Invitae), Labcorp
Classification: Uncertain significance. Last evaluated: 2022-05-29. Review status: criteria provided, single submitter. Criteria: Invitae Variant Classification Sherloc (09022015). Collection method: clinical testing. Allele origin: germline.
Comment: In summary, the available evidence is currently insufficient to determine the role of this variant in disease. Therefore, it has been classified as a Variant of Uncertain Significance. This sequence change replaces phenylalanine, which is neutral and non-polar, with valine, which is neutral and non-polar, at codon 2454 of the CELSR2 protein (p.Phe2454Val). This variant is present in population databases (rs574709737, gnomAD 0.04%). This variant has not been reported in the literature in individuals affected with CELSR2-related conditions. Algorithms developed to predict the effect of missense changes on protein structure and function (SIFT, PolyPhen-2, Align-GVGD) all suggest that this variant is likely to be disruptive.